The following is an entry in ClinVar:

ClinVar aggregate classification (germline): Likely benign. Review status: criteria provided, single submitter (1 of 4 stars). 2 submissions from 2 submitters: Likely benign (1). 1 of the submissions does not count toward it. Last evaluated 2025-02-02.

Conditions:
CEBPA-related disorder. Also called: CEBPA-related condition.
Inborn genetic diseases. Identifiers: MedGen C0950123, MeSH D030342.

Submissions (2):

Ambry Genetics
Classification: Likely benign for Inborn genetic diseases. Last evaluated: 2025-02-02. Review status: criteria provided, single submitter. Criteria: Ambry Variant Classification Scheme 2023. Collection method: clinical testing. Allele origin: germline.

PreventionGenetics, part of Exact Sciences
Classification: Likely benign for CEBPA-related condition. Last evaluated: 2023-04-20. Review status: no assertion criteria provided. Collection method: clinical testing. Allele origin: germline. Not counted in ClinVar's aggregate classification.
Comment: This variant is classified as likely benign based on ACMG/AMP sequence variant interpretation guidelines (Richards et al. 2015 PMID: 25741868, with internal and published modifications).

NM_004364.5(CEBPA):c.405C>G (p.Ala135=)

Gene: CEBPA (CCAAT enhancer binding protein alpha; minus strand). Cytogenetic location: 19q13.11.
Variant type: single nucleotide variant.
Coding change: c.405C>G on transcript NM_004364.5 (MANE Select); coding-DNA position 405, C replaced by G.
Protein change: p.Ala135=; no amino-acid change (alanine 135 retained).
Molecular consequence: synonymous variant.
Genome position (GRCh38, 1-based): chr19:33,302,010, G>C on the plus strand (C>G on the coding strand, the complement: CEBPA is on the minus strand). VCF-style: chr19-33302010-G-C. GRCh37 (hg19) VCF-style: chr19-33792916-G-C.
Other names: c.48C>G, p.Ala16= (NM_001285829.2); c.510C>G, p.Ala170= (NM_001287424.2); c.363C>G, p.Ala121= (NM_001287435.2).
Identifiers: ClinVar variation 3061561 (VCV003061561.3), dbSNP rs2513331587, ClinGen allele CA507007830.